The following is an entry in ClinVar:

ClinVar aggregate classification (germline): Uncertain significance (1 of 4 stars; one submission).

Allele frequency attached by ClinVar (database versions not stated): ExAC 0.00017; TOPMed 0.00021; ESP Exome Variant Server 0.00023; gnomAD 0.00023; gnomAD exomes 0.00029; 1000 Genomes Project 30x 0.00031; 1000 Genomes Project 0.00040.
gnomAD v4.1: 459 of 1,614,134 alleles (0.028%); highest among the groups gnomAD compares: Non-Finnish European, 0.036%; 1 homozygote.

Submission:

Labcorp Genetics (formerly Invitae), Labcorp
Classification: Uncertain significance. Last evaluated: 2021-08-18. Review status: criteria provided, single submitter. Criteria: Invitae Variant Classification Sherloc (09022015). Collection method: clinical testing. Allele origin: germline.
Comment: This sequence change replaces threonine with methionine at codon 370 of the CSGALNACT1 protein (p.Thr370Met). The threonine residue is moderately conserved and there is a moderate physicochemical difference between threonine and methionine. This variant is present in population databases (rs34492215, ExAC 0.04%). This variant has not been reported in the literature in individuals affected with CSGALNACT1-related conditions. Algorithms developed to predict the effect of missense changes on protein structure and function are either unavailable or do not agree on the potential impact of this missense change (SIFT: "Deleterious"; PolyPhen-2: "Possibly Damaging"; Align-GVGD: "Class C0"). In summary, the available evidence is currently insufficient to determine the role of this variant in disease. Therefore, it has been classified as a Variant of Uncertain Significance.

NM_001354483.2(CSGALNACT1):c.1109C>T (p.Thr370Met)

Gene: CSGALNACT1 (chondroitin sulfate N-acetylgalactosaminyltransferase 1; minus strand). Cytogenetic location: 8p21.3.
Variant type: single nucleotide variant.
Coding change: c.1109C>T on transcript NM_001354483.2 (MANE Select); coding-DNA position 1109, C replaced by T.
Protein change: p.Thr370Met; replaces threonine 370 with methionine.
Molecular consequence: missense variant. On other transcripts: non-coding transcript variant (7).
Genome position (GRCh38, 1-based): chr8:19,420,363, G>A on the plus strand (C>T on the coding strand, the complement: CSGALNACT1 is on the minus strand). VCF-style: chr8-19420363-G-A. GRCh37 (hg19) VCF-style: chr8-19277874-G-A.
Other names: c.1109C>T, p.Thr370Met (NM_001130518.2, NM_001354475.2, NM_001354476.2 and 18 more transcripts); short protein forms T370M.
Identifiers: ClinVar variation 2074817 (VCV002074817.1), dbSNP rs34492215, ClinGen allele CA4653915.